The following is an entry in ClinVar:

NM_000157.4(GBA1):c.1343A>G (p.Asp448Gly)

Genes: GBA1 (glucosylceramidase beta 1; minus strand), LOC106627981 (GBA recombination region; plus strand). Cytogenetic location: 1q22.
Variant type: single nucleotide variant.
Coding change: c.1343A>G on transcript NM_000157.4 (MANE Select); coding-DNA position 1343, A replaced by G.
Protein change: p.Asp448Gly; replaces aspartic acid 448 with glycine.
Molecular consequence: missense variant.
Genome position (GRCh38, 1-based): chr1:155,235,726, T>C on the plus strand (A>G on the coding strand, the complement: GBA1 is on the minus strand). VCF-style: chr1-155235726-T-C. GRCh37 (hg19) VCF-style: chr1-155205517-T-C.
Other names: c.1343A>G, p.Asp448Gly (NM_001005741.3, NM_001005742.3); c.1082A>G, p.Asp361Gly (NM_001171811.2); c.1196A>G, p.Asp399Gly (NM_001171812.2); short protein forms D361G, D399G, D448G.
Identifiers: ClinVar variation 4817715 (VCV004817715.2).
Genomic context (GRCh38, chr1:155,235,726, plus strand): 5'-CCGCCCTCCACTCACCTGAAGTGGCCAAGGTGGTAGAACATGGGCTGTTTGTAAAACGTG[T>C]CCTTGGTGATGTCTACAATGATGGGACTGTCGACAAAGTTACGCACCCAATTGGGTCCTC-3'
Protein context (NP_000148.2, residues 438-458): DSPIIVDITK[Asp448Gly]TFYKQPMFYH

ClinVar aggregate classification (germline): Conflicting classifications of pathogenicity. Review status: criteria provided, conflicting classifications (1 of 4 stars). 2 submissions from 2 submitters: Likely pathogenic (1); Uncertain significance (1). Last evaluated 2026-03-04.

Conditions:
Gaucher disease. Also called: Acute cerebral Gaucher disease; Cerebroside lipidosis syndrome; Gaucher splenomegaly; Sphingolipidosis 1; Glucocerebrosidosis; Glucosylceramidase deficiency. Identifiers: Orphanet 355, MedGen C0017205, MONDO:0018150.

Submissions (2):

Women's Health and Genetics/Laboratory Corporation of America, LabCorp
Classification: Uncertain significance. Last evaluated: 2026-03-04. Review status: criteria provided, single submitter. Criteria: LabCorp Variant Classification Summary - May 2015. Collection method: clinical testing. Allele origin: germline.
Comment: Variant summary: GBA1 c.1343A>G (p.Asp448Gly) results in a non-conservative amino acid change in the encoded protein sequence. Algorithms developed to predict the effect of missense changes on protein structure and function all suggest that this variant is likely to be disruptive. The variant was absent in 250178 control chromosomes. The available data on variant occurrences in the general population are insufficient to allow any conclusion about variant significance. c.1343A>G has been observed in individual(s) affected with Gaucher Disease and unspecified male cancer (Beutler_2005, Rasnic_2020), however primary information of such carrers were not provided. These report(s) do not provide unequivocal conclusions about association of the variant with Gaucher Disease. A different variant affecting the same codon has been classified as pathogenic by our lab (c.1342G>C, p.Asp448His), supporting the critical relevance of codon 448 to GBA1 protein function. To our knowledge, no experimental evidence demonstrating an impact on protein function has been reported. The following publications have been ascertained in the context of this evaluation (PMID: 16185900, 32778766). No submitters have cited clinical-significance assessments for this variant to ClinVar. Based on the evidence outlined above, the variant was classified as uncertain significance.

Natera, Inc.
Classification: Likely pathogenic for Gaucher disease. Last evaluated: 2024-11-04. Review status: criteria provided, single submitter. Criteria: Natera Variant Classification Schema (03/2026). Collection method: clinical testing. Allele origin: germline.
Comment: The c.1343A>G variant in GBA1 is a missense variant predicted to cause substitution of aspartic acid to glycine at amino acid 448. This variant is rare in the general population with a frequency below the threshold expected for the associated phenotype(s). This variant has been observed in one or more individuals affected with the associated recessive disease, as either homozygous or compound heterozygous with a second variant (PMID: 39062556). A different variant at the same position has been determined to be Pathogenic or Likely Pathogenic. Given the available evidence, this variant is classified as Likely Pathogenic.

Literature cited by the submitters: PubMed 16185900 (cited by Women's Health and Genetics/Laboratory Corporation of America, LabCorp); PubMed 32778766 (cited by Women's Health and Genetics/Laboratory Corporation of America, LabCorp); PubMed 39062556 (cited by Natera, Inc.).